The following is an entry in ClinVar:

ClinVar aggregate classification (germline): Uncertain significance. Review status: criteria provided, multiple submitters, no conflicts (2 of 4 stars). 2 submissions from 2 submitters: Uncertain significance (2). Last evaluated 2025-12-19.

Conditions:
Cardiovascular phenotype. Identifiers: MedGen CN230736.
Distal myopathy with posterior leg and anterior hand involvement. Also called: WILLIAMS DISTAL MYOPATHY. Identifiers: Orphanet 63273, MedGen C3279722, MONDO:0013550, OMIM 614065.
Hypertrophic cardiomyopathy 26. Also called: Cardiomyopathy, familial hypertrophic, 26. Identifiers: Orphanet 75249, MedGen C4310749, MONDO:0014883, OMIM 617047.
Myofibrillar myopathy 5. Also called: FILAMINOPATHY, AUTOSOMAL DOMINANT; Filaminopathy (type). Identifiers: Orphanet 171445, MedGen C1836050, MONDO:0012289, OMIM 609524.

Allele frequency attached by ClinVar (database versions not stated): TOPMed below 0.00001.

Submissions (2):

Labcorp Genetics (formerly Invitae), Labcorp
Classification: Uncertain significance for Distal myopathy with posterior leg and anterior hand involvement; Myofibrillar myopathy 5; Hypertrophic cardiomyopathy 26. Last evaluated: 2025-12-19. Review status: criteria provided, single submitter. Criteria: Invitae Variant Classification Sherloc (09022015). Collection method: clinical testing. Allele origin: germline.
Comment: This sequence change replaces arginine, which is basic and polar, with serine, which is neutral and polar, at codon 62 of the FLNC protein (p.Arg62Ser). This variant is not present in population databases (gnomAD no frequency). This variant has not been reported in the literature in individuals affected with FLNC-related conditions. ClinVar contains an entry for this variant (Variation ID: 2450905). Invitae Evidence Modeling of protein sequence and biophysical properties (such as structural, functional, and spatial information, amino acid conservation, physicochemical variation, residue mobility, and thermodynamic stability) has been performed for this missense variant. However, the output from this modeling did not meet the statistical confidence thresholds required to predict the impact of this variant on FLNC protein function. In summary, the available evidence is currently insufficient to determine the role of this variant in disease. Therefore, it has been classified as a Variant of Uncertain Significance.

Ambry Genetics
Classification: Uncertain significance for Cardiovascular phenotype. Last evaluated: 2023-02-16. Review status: criteria provided, single submitter. Criteria: Ambry Variant Classification Scheme 2023. Collection method: clinical testing. Allele origin: germline.
Comment: The p.R62S variant (also known as c.184C>A), located in coding exon 1 of the FLNC gene, results from a C to A substitution at nucleotide position 184. The arginine at codon 62 is replaced by serine, an amino acid with dissimilar properties. This amino acid position is conserved. In addition, the in silico prediction for this alteration is inconclusive. Since supporting evidence is limited at this time, the clinical significance of this alteration remains unclear.

NM_001458.5(FLNC):c.184C>A (p.Arg62Ser)

Gene: FLNC (filamin C; plus strand). Cytogenetic location: 7q32.1.
Variant type: single nucleotide variant.
Coding change: c.184C>A on transcript NM_001458.5 (MANE Select); coding-DNA position 184, C replaced by A.
Protein change: p.Arg62Ser; replaces arginine 62 with serine.
Molecular consequence: missense variant.
Genome position (GRCh38, 1-based): chr7:128,830,821, C>A. VCF-style: chr7-128830821-C-A. GRCh37 (hg19) VCF-style: chr7-128470875-C-A.
Other names: c.184C>A, p.Arg62Ser (NM_001127487.2); short protein forms R62S.
Identifiers: ClinVar variation 2450905 (VCV002450905.3), dbSNP rs774688396, ClinGen allele CA4473969.